The following is an entry in ClinVar:

NM_014140.4(SMARCAL1):c.811+6G>A

Gene: SMARCAL1 (SNF2 related chromatin remodeling annealing helicase 1; plus strand). Cytogenetic location: 2q35.
Variant type: single nucleotide variant.
Coding change: c.811+6G>A on transcript NM_014140.4 (MANE Select); 6 bases into the intron after coding-DNA position 811, G replaced by A.
Molecular consequence: intron variant.
Genome position (GRCh38, 1-based): chr2:216,415,521, G>A. VCF-style: chr2-216415521-G-A. GRCh37 (hg19) VCF-style: chr2-217280244-G-A.
Other names: c.811+6G>A (NM_001127207.2).
Identifiers: ClinVar variation 1015144 (VCV001015144.6), dbSNP rs1269883110, ClinGen allele CA539838419.
Genomic context (GRCh38, chr2:216,415,521, plus strand): 5'-GGGTACAATGCGGAACTCATTGCAGTGTTTAAGACCCTGCCCAGCAAGAATTATGGTAAT[G>A]TCTTCATTTTTCAGCTGTTTTTTTTTTTTTTTCTTATTTTTGGAGTCTCTTTTAATCTAA-3'

ClinVar aggregate classification (germline): Uncertain significance (1 of 4 stars; one submission).

Conditions:
Schimke immuno-osseous dysplasia (SIOD). Also called: Schimke Immunoosseous Dysplasia. Identifiers: Orphanet 1830, MedGen C0877024, MONDO:0009458, OMIM 242900.

Submission:

Labcorp Genetics (formerly Invitae), Labcorp
Classification: Uncertain significance for Schimke immuno-osseous dysplasia. Last evaluated: 2024-02-16. Review status: criteria provided, single submitter. Criteria: Invitae Variant Classification Sherloc (09022015). Collection method: clinical testing. Allele origin: germline.
Comment: This sequence change falls in intron 3 of the SMARCAL1 gene. It does not directly change the encoded amino acid sequence of the SMARCAL1 protein. It affects a nucleotide within the consensus splice site. This variant is present in population databases (no rsID available, gnomAD 0.0009%). This variant has not been reported in the literature in individuals affected with SMARCAL1-related conditions. ClinVar contains an entry for this variant (Variation ID: 1015144). Variants that disrupt the consensus splice site are a relatively common cause of aberrant splicing (PMID: 17576681, 9536098). Algorithms developed to predict the effect of sequence changes on RNA splicing suggest that this variant is not likely to affect RNA splicing. In summary, the available evidence is currently insufficient to determine the role of this variant in disease. Therefore, it has been classified as a Variant of Uncertain Significance.

Literature cited by the submitters: PubMed 17576681; PubMed 9536098.